The following is an entry in ClinVar:

NM_000489.6(ATRX):c.2312C>T (p.Ala771Val)

Gene: ATRX (ATRX chromatin remodeler; minus strand). Cytogenetic location: Xq21.1.
Variant type: single nucleotide variant.
Coding change: c.2312C>T on transcript NM_000489.6 (MANE Select); coding-DNA position 2312, C replaced by T.
Protein change: p.Ala771Val; replaces alanine 771 with valine.
Molecular consequence: missense variant.
Genome position (GRCh38, 1-based): chrX:77,682,944, G>A on the plus strand (C>T on the coding strand, the complement: ATRX is on the minus strand). VCF-style: chrX-77682944-G-A. GRCh37 (hg19) VCF-style: chrX-76938436-G-A.
Other names: c.2198C>T, p.Ala733Val (NM_138270.5); short protein forms A733V, A771V.
Identifiers: ClinVar variation 1191855 (VCV001191855.13), dbSNP rs376906761, ClinGen allele CA10458100.
Genomic context (GRCh38, chrX:77,682,944, plus strand): 5'-TCAAAATCTGAGCCAGATGTAGAACTTTTTCGTTTCCTTTTTCCTTTATCATCTTTCCCC[G>A]CCTGAGTCTTTAAATCATACAAAGTCTTATGGTTTGTATGAATTTCATTAATATCAGTAT-3'
Protein context (NP_000480.3, residues 761-781): HKTLYDLKTQ[Ala771Val]GKDDKGKRKR

ClinVar aggregate classification (germline): Conflicting classifications of pathogenicity. Review status: criteria provided, conflicting classifications (1 of 4 stars). 4 submissions from 4 submitters: Uncertain significance (2); Benign (1). 1 of the submissions does not count toward it. Last evaluated 2025-05-17.

Conditions:
Inborn genetic diseases. Identifiers: MedGen C0950123, MeSH D030342.
Alpha thalassemia-X-linked intellectual disability syndrome (ATRX). Also called: X-linked alpha-thalassemia-mental retardation syndrome; ALPHA-THALASSEMIA/IMPAIRED INTELLECTUAL DEVELOPMENT SYNDROME, X-LINKED; ALPHA-THALASSEMIA/MENTAL RETARDATION SYNDROME, X-LINKED; ATR, NONDELETION TYPE; ATR-X syndrome; Alpha thalassemia mental retardation syndrome, nondeletion type, X-linked. Identifiers: Orphanet 847, MedGen C1845055, MONDO:0010519, OMIM 301040.

Allele frequency attached by ClinVar (database versions not stated): TOPMed 0.00007; ESP Exome Variant Server 0.00009; gnomAD 0.00006.
gnomAD v4.1: 30 of 1,207,271 alleles (0.0025%); highest among the groups gnomAD compares: African/African-American, 0.014%; no homozygotes.

Submissions (5):

Labcorp Genetics (formerly Invitae), Labcorp
Classification: Benign for Alpha thalassemia-X-linked intellectual disability syndrome. Last evaluated: 2025-05-17. Review status: criteria provided, single submitter. Criteria: Invitae Variant Classification Sherloc (09022015). Collection method: clinical testing. Allele origin: germline.

GeneDx
Classification: Uncertain significance. Last evaluated: 2022-04-11. Review status: criteria provided, single submitter. Criteria: GeneDx Variant Classification Process June 2021. Collection method: clinical testing. Allele origin: germline. Affected: yes.
Comment: In silico analysis supports that this missense variant does not alter protein structure/function; Has not been previously published as pathogenic or benign to our knowledge

Ambry Genetics
Classification: Uncertain significance for Inborn genetic diseases. Last evaluated: 2016-10-05. Review status: criteria provided, single submitter. Criteria: Ambry Variant Classification Scheme 2023. Collection method: clinical testing. Allele origin: germline.
Comment: The p.A771V variant (also known as c.2312C>T), located in coding exon 9 of the ATRX gene, results from a C to T substitution at nucleotide position 2312. The alanine at codon 771 is replaced by valine, an amino acid with similar properties. This variant was previously reported in the SNPDatabase as rs376906761. Based on data from the NHLBI Exome Sequencing Project (ESP), the T allele has an overall frequency of approximately 0.01% (1/10554). This amino acid position is poorly conserved in available vertebrate species. In addition, this alteration is predicted to be tolerated by in silico analysis. Since clinical data for this variant is limited at this time, its clinical significance is unclear.

Natera, Inc.
Classification: Uncertain significance for X-linked alpha-thalassemia-mental retardation syndrome. Last evaluated: 2020-06-08. Review status: no assertion criteria provided. Collection method: clinical testing. Allele origin: germline. Not counted in ClinVar's aggregate classification.

Dr. Peter K. Rogan Lab, Western University
No classification provided (evidence only). Condition: Colon adenocarcinoma. Review status: no classification provided. Collection method: in vitro. Allele origin: not applicable. Functional consequence: retained intron. Not counted in ClinVar's aggregate classification.